The following is an entry in ClinVar:

ClinVar aggregate classification (germline): Pathogenic. Review status: criteria provided, multiple submitters, no conflicts (2 of 4 stars). 2 submissions from 2 submitters: Pathogenic (2). Last evaluated 2024-05-06.

Conditions:
Tyrosinase-positive oculocutaneous albinism (OCA2). Also called: Albinism, oculocutaneous, type II; ALBINISM II; Oculocutaneous albinism type 2. Identifiers: Orphanet 79432, MedGen C0268495, MONDO:0008746, OMIM 203200.

Submissions (2):

Myriad Genetics, Inc.
Classification: Pathogenic for Tyrosinase-positive oculocutaneous albinism. Last evaluated: 2024-05-06. Review status: criteria provided, single submitter. Criteria: Myriad Autosomal Dominant, Autosomal Recessive and X-Linked Classification Criteria (2023). Collection method: clinical testing. Allele origin: unknown.
Comment: NM_000275.2(OCA2):c.247C>T(Q83*) is expected to be pathogenic in the context of oculocutaneous albinism, OCA2-related. This variant is predicted to lead to an abnormal or absent protein product due to the creation of a premature termination codon in OCA2, a gene where loss-of-function variants are known to be pathogenic. Please note: this variant was assessed in the context of healthy population screening.

Juno Genomics, Hangzhou Juno Genomics, Inc
Classification: Pathogenic for Tyrosinase-positive oculocutaneous albinism. Review status: criteria provided, single submitter. Criteria: ACMG Guidelines, 2015. Collection method: clinical testing. Allele origin: germline.
Comment: Absent from controls (or at extremely low frequency if recessive) in Genome Aggregation Database.;Null variant in a gene where loss of function (LOF) is a known mechanism of disease.;For recessive disorders, detected in trans with a pathogenic variant.;Patient's phenotype or family history is highly specific for a disease with a single genetic etiology.

NM_000275.3(OCA2):c.247C>T (p.Gln83Ter)

Gene: OCA2 (OCA2 melanosomal transmembrane protein; minus strand). Cytogenetic location: 15q13.1.
Variant type: single nucleotide variant.
Coding change: c.247C>T on transcript NM_000275.3 (MANE Select); coding-DNA position 247, C replaced by T.
Protein change: p.Gln83Ter; replaces glutamine 83 with a stop codon.
Molecular consequence: nonsense.
Genome position (GRCh38, 1-based): chr15:28,032,144, G>A on the plus strand (C>T on the coding strand, the complement: OCA2 is on the minus strand). VCF-style: chr15-28032144-G-A. GRCh37 (hg19) VCF-style: chr15-28277290-G-A.
Other names: c.247C>T, p.Gln83Ter (NM_001300984.2); short protein forms Q83*.
Identifiers: ClinVar variation 5013009 (VCV005013009.3).